The following is an entry in ClinVar:

ClinVar aggregate classification (germline): Uncertain significance. Review status: criteria provided, multiple submitters, no conflicts (2 of 4 stars). 3 submissions from 3 submitters: Uncertain significance (3). Last evaluated 2024-04-11.

Conditions:
Familial thoracic aortic aneurysm and aortic dissection (TAAD). Also called: Thoracic aortic aneurysms and dissections. Identifiers: Orphanet 91387, MedGen C4707243, MONDO:0019625.
Adams-Oliver syndrome 5 (AOS5). Identifiers: Orphanet 974, MedGen C4014970, MONDO:0014459, OMIM 616028.

Submissions (3):

Labcorp Genetics (formerly Invitae), Labcorp
Classification: Uncertain significance for Adams-Oliver syndrome 5. Last evaluated: 2024-04-11. Review status: criteria provided, single submitter. Criteria: Invitae Variant Classification Sherloc (09022015). Collection method: clinical testing. Allele origin: germline.
Comment: This sequence change replaces asparagine, which is neutral and polar, with serine, which is neutral and polar, at codon 2143 of the NOTCH1 protein (p.Asn2143Ser). This variant is not present in population databases (gnomAD no frequency). This variant has not been reported in the literature in individuals affected with NOTCH1-related conditions. ClinVar contains an entry for this variant (Variation ID: 426750). Advanced modeling of protein sequence and biophysical properties (such as structural, functional, and spatial information, amino acid conservation, physicochemical variation, residue mobility, and thermodynamic stability) performed at Invitae indicates that this missense variant is not expected to disrupt NOTCH1 protein function with a negative predictive value of 80%. In summary, the available evidence is currently insufficient to determine the role of this variant in disease. Therefore, it has been classified as a Variant of Uncertain Significance.

Ambry Genetics
Classification: Uncertain significance for Familial thoracic aortic aneurysm and aortic dissection. Last evaluated: 2022-12-06. Review status: criteria provided, single submitter. Criteria: Ambry Variant Classification Scheme 2023. Collection method: clinical testing. Allele origin: germline.
Comment: The p.N2143S variant (also known as c.6428A>G), located in coding exon 34 of the NOTCH1 gene, results from an A to G substitution at nucleotide position 6428. The asparagine at codon 2143 is replaced by serine, an amino acid with highly similar properties. This amino acid position is conserved. In addition, this alteration is predicted to be tolerated by in silico analysis. Since supporting evidence is limited at this time, the clinical significance of this alteration remains unclear.

GeneDx
Classification: Uncertain significance. Last evaluated: 2017-04-05. Review status: criteria provided, single submitter. Criteria: GeneDx Variant Classification (06012015). Collection method: clinical testing. Allele origin: germline. Affected: yes.
Comment: A variant of uncertain significance has been identified in the NOTCH1 gene. The N2143S variant has not been published as pathogenic or been reported as benign to our knowledge. This variant is not observed in large population cohorts (Lek et al., 2016; 1000 Genomes Consortium et al., 2015; Exome Variant Server). However, the N2143S variant is a conservative amino acid substitution, which is not likely to impact secondary protein structure as these residues share similar properties. This substitution occurs at a position that is not conserved across species, and serine is the wild-type amino acid at this position in multiple species. Furthermore, 2/3 in silico algorithms predict this variant likely does not alter the protein structure/function.

NM_017617.5(NOTCH1):c.6428A>G (p.Asn2143Ser)

Gene: NOTCH1 (notch receptor 1; minus strand). Cytogenetic location: 9q34.3.
Variant type: single nucleotide variant.
Coding change: c.6428A>G on transcript NM_017617.5 (MANE Select); coding-DNA position 6428, A replaced by G.
Protein change: p.Asn2143Ser; replaces asparagine 2143 with serine.
Molecular consequence: missense variant.
Genome position (GRCh38, 1-based): chr9:136,497,311, T>C on the plus strand (A>G on the coding strand, the complement: NOTCH1 is on the minus strand). VCF-style: chr9-136497311-T-C. GRCh37 (hg19) VCF-style: chr9-139391763-T-C.
Other names: c.6428A>G, p.Asn2143Ser (LRG_1122t1); short protein forms N2143S.
Identifiers: ClinVar variation 426750 (VCV000426750.7), dbSNP rs1085307778, ClinGen allele CA375631762.